The following is an entry in ClinVar:

NM_001199107.2(TBC1D24):c.1326C>T (p.Tyr442=)

Gene: TBC1D24 (TBC1 domain family member 24; plus strand). Cytogenetic location: 16p13.3.
Variant type: single nucleotide variant.
Coding change: c.1326C>T on transcript NM_001199107.2 (MANE Select); coding-DNA position 1326, C replaced by T.
Protein change: p.Tyr442=; no amino-acid change (tyrosine 442 retained).
Molecular consequence: synonymous variant.
Genome position (GRCh38, 1-based): chr16:2,500,291, C>T. VCF-style: chr16-2500291-C-T. GRCh37 (hg19) VCF-style: chr16-2550292-C-T.
Other names: p.Y436Y:TAC>TAT; p.Tyr442=; c.1308C>T, p.Tyr436= (NM_020705.3).
Identifiers: ClinVar variation 130535 (VCV000130535.73), dbSNP rs184639841, ClinGen allele CA289057.

ClinVar aggregate classification (germline): Benign/Likely benign. Review status: criteria provided, multiple submitters, no conflicts (2 of 4 stars). 15 submissions from 15 submitters: Benign (7); Likely benign (6). 2 of the submissions do not count toward it. Last evaluated 2026-09-01.

Conditions:
Autosomal dominant nonsyndromic hearing loss 65. Also called: Deafness, autosomal dominant 65; TBC1D24-Related Autosomal Dominant Nonsyndromic Hearing Loss (DFNA). Identifiers: Orphanet 90635, MedGen C3892048, MONDO:0014470, OMIM 616044.
Developmental and epileptic encephalopathy, 16 (DEE16). Also called: Early infantile epileptic encephalopathy 16; TBC1D24-Related Developmental and Epileptic Encephalopathy (DEE). Identifiers: Orphanet 293181, Orphanet 352596, MedGen C3809173, MONDO:0014133, OMIM 615338.
DOORS syndrome (DOORS). Also called: DOORS Syndrome (Deafness, Onychodystrophy, Osteodystrophy, Mental Retardation, and Seizures); DRC SYNDROME; BRACHYDACTYLY DUE TO ABSENCE OF DISTAL PHALANGES; ERONEN SYNDROME; DOOR SYNDROME; DEAFNESS, ONYCHODYSTROPHY, OSTEODYSTROPHY, IMPAIRED INTELLECTUAL DEVELOPMENT, AND SEIZURES SYNDROME. Identifiers: Orphanet 3231, Orphanet 79500, MedGen C0795934, MONDO:0009079, OMIM 220500. Disease mechanism: loss of function.
Familial infantile myoclonic epilepsy (FIME). Also called: TBC1D24-Related Familial Infantile Myoclonic Epilepsy (FIME); Epilepsy, Myoclonic, Infantile. Identifiers: Orphanet 352582, MedGen C0917800, MONDO:0011506, OMIM 605021.
Autosomal recessive nonsyndromic hearing loss 86 (DFNB86). Also called: Deafness , autosomal recessive 86; TBC1D24-Related Autosomal Recessive Nonsyndromic Hearing Loss (DFNB). Identifiers: Orphanet 90636, MedGen C2829265, MONDO:0013826, OMIM 614617.
Rolandic epilepsy-paroxysmal exercise-induced dystonia-writer's cramp syndrome. Also called: TBC1D24-Related Rolandic Epilepsy with Paroxysmal Exercise-Induced Dystonia and Writer's Cramp (EPRPDC); RE-PED-WC. Identifiers: Orphanet 163727, MedGen C1842531, MONDO:0011970, OMIM 608105.
Developmental and epileptic encephalopathy, 1 (DEE1). Also called: INFANTILE SPASM SYNDROME, X-LINKED 1; OHTAHARA SYNDROME, X-LINKED; X-linked infantile spasms; West's syndrome; Tonic spasms with clustering, arrest of psychomotor development and hypsarrhythmia on EEG; X-Linked Infantile Spasm Syndrome. Identifiers: MedGen C3463992, MONDO:0010632, OMIM 308350. Disease mechanism: loss of function.
Inborn genetic diseases. Identifiers: MedGen C0950123, MeSH D030342.

Allele frequency attached by ClinVar (database versions not stated): 1000 Genomes Project 0.00120; gnomAD exomes 0.00267 and 0.00405; gnomAD 0.00314 and 0.00324; TOPMed 0.00323; ExAC 0.00408; ESP Exome Variant Server 0.00425; 1000 Genomes Project 30x 0.00109.
gnomAD v4.1: 6,320 of 1,609,178 alleles (0.39%); highest among the groups gnomAD compares: Non-Finnish European, 0.5%; 17 homozygotes.

Submissions (15):

CeGaT Center for Human Genetics Tuebingen
Classification: Likely benign. Last evaluated: 2026-09-01. Review status: criteria provided, single submitter. Criteria: CeGaT Center For Human Genetics Tuebingen Variant Classification Criteria Version 2. Collection method: clinical testing. Allele origin: germline. Affected: yes. Observed: 77 variant alleles.
Comment: TBC1D24: BP4, BP7, BS2

Labcorp Genetics (formerly Invitae), Labcorp
Classification: Benign for Developmental and epileptic encephalopathy, 1; Autosomal dominant nonsyndromic hearing loss 65. Last evaluated: 2026-02-02. Review status: criteria provided, single submitter. Criteria: Invitae Variant Classification Sherloc (09022015). Collection method: clinical testing. Allele origin: germline.

Blueprint Genetics
Classification: Likely benign. Last evaluated: 2024-11-27. Review status: criteria provided, single submitter. Criteria: ACMG Guidelines, 2015. Collection method: clinical testing. Allele origin: germline.

Mayo Clinic Laboratories, Mayo Clinic
Classification: Benign. Last evaluated: 2022-05-01. Review status: criteria provided, single submitter. Criteria: ACMG Guidelines, 2015. Collection method: clinical testing. Allele origin: germline. Observed: 5 variant alleles.

Fulgent Genetics
Classification: Benign for DOORS syndrome; Familial infantile myoclonic epilepsy; Rolandic epilepsy-paroxysmal exercise-induced dystonia-writer's cramp syndrome; Autosomal recessive nonsyndromic hearing loss 86; Developmental and epileptic encephalopathy, 16; Autosomal dominant nonsyndromic hearing loss 65. Last evaluated: 2021-07-30. Review status: criteria provided, single submitter. Criteria: ACMG Guidelines, 2015. Collection method: clinical testing. Allele origin: unknown.

Illumina Laboratory Services, Illumina
Classification: Likely benign for Familial infantile myoclonic epilepsy. Last evaluated: 2018-01-13. Review status: criteria provided, single submitter. Criteria: ICSL Variant Classification Criteria 13 December 2019. Collection method: clinical testing. Allele origin: germline.
Comment: This variant was observed in the ICSL laboratory as part of a predisposition screen in an ostensibly healthy population. It had not been previously curated by ICSL or reported in the Human Gene Mutation Database (HGMD: prior to June 1st, 2018), and was therefore a candidate for classification through an automated scoring system. Utilizing variant allele frequency, disease prevalence and penetrance estimates, and inheritance mode, an automated score was calculated to assess if this variant is too frequent to cause the disease. Based on the score and internal cut-off values, a variant classified as likely benign is not then subjected to further curation. The score for this variant resulted in a classification of likely benign for this disease.

Athena Diagnostics
Classification: Benign. Last evaluated: 2017-11-01. Review status: criteria provided, single submitter. Criteria: Athena Diagnostics Criteria. Collection method: clinical testing. Allele origin: germline.

Ambry Genetics
Classification: Likely benign for Inborn genetic diseases. Last evaluated: 2016-10-31. Review status: criteria provided, single submitter. Criteria: Ambry Variant Classification Scheme 2023. Collection method: clinical testing. Allele origin: germline.

Laboratory for Molecular Medicine, Mass General Brigham Personalized Medicine
Classification: Benign. Last evaluated: 2015-01-13. Review status: criteria provided, single submitter. Criteria: LMM Criteria. Collection method: clinical testing. Allele origin: germline. Observed: 8 variant alleles.
Comment: p.Tyr442Tyr in exon 7 of TBC1D24: This variant is not expected to have clinical significance because it does not alter an amino acid residue and is not located within the splice consensus sequence. It has been identified in 0.6% (49/8380) o f European American chromosomes from a broad population by the NHLBI Exome Seque ncing Project (dbSNP rs184639841).

Eurofins Ntd Llc (ga)
Classification: Benign. Last evaluated: 2014-12-30. Review status: criteria provided, single submitter. Criteria: EGL Classification Definitions 2015. Collection method: clinical testing. Allele origin: germline. Observed: 1 variant allele, 1 heterozygote.

GeneDx
Classification: Benign. Last evaluated: 2013-10-30. Review status: criteria provided, single submitter. Criteria: GeneDx Variant Classification (06012015). Collection method: clinical testing. Allele origin: germline. Affected: yes.
Comment: This variant is considered likely benign or benign based on one or more of the following criteria: it is a conservative change, it occurs at a poorly conserved position in the protein, it is predicted to be benign by multiple in silico algorithms, and/or has population frequency not consistent with disease.

Genetic Services Laboratory, University of Chicago
Classification: Likely benign for AllHighlyPenetrant. Last evaluated: 2013-08-28. Review status: criteria provided, single submitter. Criteria: ACMG Guidelines, 2007. Collection method: clinical testing. Allele origin: germline. Inheritance: Autosomal recessive inheritance.

Breakthrough Genomics
Classification: Likely benign. Review status: criteria provided, single submitter. Criteria: ACMG Guidelines, 2015. Collection method: not provided. Allele origin: germline. Inheritance: Autosomal recessive inheritance. Affected: yes.

Clinical Genetics DNA and cytogenetics Diagnostics Lab, Erasmus MC, Erasmus Medical Center
Classification: Likely benign. Review status: no assertion criteria provided. Collection method: clinical testing. Allele origin: germline. Affected: yes. Study: VKGL Data-share Consensus. Not counted in ClinVar's aggregate classification.

Genome Diagnostics Laboratory, University Medical Center Utrecht
Classification: Likely benign. Review status: no assertion criteria provided. Collection method: clinical testing. Allele origin: germline. Affected: yes. Study: VKGL Data-share Consensus. Not counted in ClinVar's aggregate classification.